The following is an entry in ClinVar:

NM_033068.3(ACP4):c.1023C>T (p.Ser341=)

Gene: ACP4 (acid phosphatase 4; plus strand). Cytogenetic location: 19q13.33.
Variant type: single nucleotide variant.
Coding change: c.1023C>T on transcript NM_033068.3 (MANE Select); coding-DNA position 1023, C replaced by T.
Protein change: p.Ser341=; no amino-acid change (serine 341 retained).
Molecular consequence: synonymous variant.
Genome position (GRCh38, 1-based): chr19:50,794,822, C>T. VCF-style: chr19-50794822-C-T. GRCh37 (hg19) VCF-style: chr19-51298079-C-T.
Identifiers: ClinVar variation 3049541 (VCV003049541.2), dbSNP rs141072588, ClinGen allele CA9603256.

ClinVar aggregate classification (germline): Likely benign (0 of 4 stars; one submission).

Conditions:
ACP4-related disorder. Also called: ACP4-related condition.

Allele frequency attached by ClinVar (database versions not stated): gnomAD exomes 0.00017; ESP Exome Variant Server 0.00023; ExAC 0.00024; 1000 Genomes Project 30x 0.00031; gnomAD 0.00032; TOPMed 0.00036; 1000 Genomes Project 0.00040.
gnomAD v4.1: 318 of 1,610,664 alleles (0.02%); highest among the groups gnomAD compares: Middle Eastern, 0.18%; 1 homozygote.

Submission:

PreventionGenetics, part of Exact Sciences
Classification: Likely benign for ACP4-related condition. Last evaluated: 2019-03-26. Review status: no assertion criteria provided. Collection method: clinical testing. Allele origin: germline.
Comment: This variant is classified as likely benign based on ACMG/AMP sequence variant interpretation guidelines (Richards et al. 2015 PMID: 25741868, with internal and published modifications).